The following is an entry in ClinVar:

NM_024675.4(PALB2):c.1400del (p.Gly467fs)

Gene: PALB2 (partner and localizer of BRCA2; minus strand). Cytogenetic location: 16p12.2.
Variant type: Deletion.
Coding change: c.1400del on transcript NM_024675.4 (MANE Select); coding-DNA position 1400, one base deleted (G; older notation c.1400delG).
Protein change: p.Gly467fs; shifts the reading frame from glycine 467.
Molecular consequence: frameshift variant.
Genome position (GRCh38, 1-based): chr16:23,635,146, C deleted on the plus strand (G on the coding strand, the reverse complement: PALB2 is on the minus strand); the first of 2 consecutive C bases (chr16:23,635,146-23,635,147); deleting either gives the same sequence. VCF-style (leftmost placement, unchanged base first): chr16-23635145-GC-G. GRCh37 (hg19) VCF-style: chr16-23646466-GC-G.
Other names: c.1399delG, p.Gly467Alafs (NM_001407298.1, NM_001407300.1, NM_001407301.1 and 3 more transcripts); c.514delG, p.Gly172Alafs (NM_001407304.1, NM_001407305.1, NM_001407306.1 and 5 more transcripts); c.1339delG, p.Gly447Alafs (NM_001407296.1); c.1400delG (NM_024675.3); short protein forms G467fs.
Identifiers: ClinVar variation 1771792 (VCV001771792.7), dbSNP rs2506478906, ClinGen allele CA2580091284.

ClinVar aggregate classification (germline): Pathogenic. Review status: criteria provided, multiple submitters, no conflicts (2 of 4 stars). 2 submissions from 2 submitters: Pathogenic (2). Last evaluated 2025-07-13.

Conditions:
Hereditary cancer-predisposing syndrome. Also called: Hereditary Cancer Syndrome; Hereditary neoplastic syndrome; Neoplastic Syndromes, Hereditary; Tumor predisposition. Identifiers: Orphanet 140162, MedGen C0027672, MeSH D009386, MONDO:0015356.
Familial cancer of breast. Also called: BREAST CANCER, FAMILIAL; Hereditary breast cancer; hereditary breast carcinoma. Identifiers: Orphanet 227535, MedGen C0346153, MONDO:0016419, OMIM 114480. Disease mechanism: loss of function.

Submissions (2):

Labcorp Genetics (formerly Invitae), Labcorp
Classification: Pathogenic for Familial cancer of breast. Last evaluated: 2025-07-13. Review status: criteria provided, single submitter. Criteria: Invitae Variant Classification Sherloc (09022015). Collection method: clinical testing. Allele origin: germline.
Comment: This sequence change creates a premature translational stop signal (p.Gly467Alafs*18) in the PALB2 gene. It is expected to result in an absent or disrupted protein product. Loss-of-function variants in PALB2 are known to be pathogenic (PMID: 17200668, 17200671, 17200672, 24136930, 25099575). This variant is not present in population databases (gnomAD no frequency). This variant has not been reported in the literature in individuals affected with PALB2-related conditions. ClinVar contains an entry for this variant (Variation ID: 1771792). For these reasons, this variant has been classified as Pathogenic.

Ambry Genetics
Classification: Pathogenic for Hereditary cancer-predisposing syndrome. Last evaluated: 2020-07-10. Review status: criteria provided, single submitter. Criteria: Ambry Variant Classification Scheme 2023. Collection method: clinical testing. Allele origin: germline.
Comment: The c.1400delG pathogenic mutation, located in coding exon 4 of the PALB2 gene, results from a deletion of one nucleotide at nucleotide position 1400, causing a translational frameshift with a predicted alternate stop codon (p.G467Afs*18). This alteration is expected to result in loss of function by premature protein truncation or nonsense-mediated mRNA decay. As such, this alteration is interpreted as a disease-causing mutation.

Literature cited by the submitters: PubMed 17200668 (cited by Labcorp Genetics (formerly Invitae), Labcorp); PubMed 17200671 (cited by Labcorp Genetics (formerly Invitae), Labcorp); PubMed 17200672 (cited by Labcorp Genetics (formerly Invitae), Labcorp); PubMed 24136930 (cited by Labcorp Genetics (formerly Invitae), Labcorp); PubMed 25099575 (cited by Labcorp Genetics (formerly Invitae), Labcorp).